The following is an entry in ClinVar:

NM_000489.6(ATRX):c.4957-4A>G

Gene: ATRX (ATRX chromatin remodeler; minus strand). Cytogenetic location: Xq21.1.
Variant type: single nucleotide variant.
Coding change: c.4957-4A>G on transcript NM_000489.6 (MANE Select); 4 bases into the intron before coding-DNA position 4957, A replaced by G.
Molecular consequence: intron variant.
Genome position (GRCh38, 1-based): chrX:77,633,388, T>C on the plus strand (A>G on the coding strand, the complement: ATRX is on the minus strand). VCF-style: chrX-77633388-T-C. GRCh37 (hg19) VCF-style: chrX-76888876-T-C.
Other names: c.4843-4A>G (NM_138270.5).
Identifiers: ClinVar variation 807773 (VCV000807773.46), dbSNP rs1602979818, ClinGen allele CA915951264.

ClinVar aggregate classification (germline): Conflicting classifications of pathogenicity. Review status: criteria provided, conflicting classifications (1 of 4 stars). 3 submissions from 3 submitters: Likely pathogenic (1); Uncertain significance (2). Last evaluated 2026-10-21.

Conditions:
Alpha thalassemia-X-linked intellectual disability syndrome (ATRX). Also called: ATR-X syndrome; Alpha thalassemia mental retardation syndrome, nondeletion type, X-linked; XLMR hypotonic face syndrome; ALPHA-THALASSEMIA/IMPAIRED INTELLECTUAL DEVELOPMENT SYNDROME, X-LINKED; ALPHA-THALASSEMIA/MENTAL RETARDATION SYNDROME, X-LINKED; ATR, NONDELETION TYPE. Identifiers: Orphanet 847, MedGen C1845055, MONDO:0010519, OMIM 301040.

Submissions (3):

GeneDx
Classification: Uncertain significance. Last evaluated: 2026-10-21. Review status: criteria provided, single submitter. Criteria: GeneDx Variant Classification Process June 2021. Collection method: clinical testing. Allele origin: germline.
Comment: Reported previously in the hemizygous state in two individuals with intellectual disability from the same family (PMID: 37541188); Not observed at significant frequency in large population cohorts (gnomAD); In silico analysis supports a deleterious effect on splicing; This variant is associated with the following publications: (PMID: 37541188)

CeGaT Center for Human Genetics Tuebingen
Classification: Uncertain significance. Last evaluated: 2019-01-01. Review status: criteria provided, single submitter. Criteria: CeGaT Center For Human Genetics Tuebingen Variant Classification Criteria Version 2. Collection method: clinical testing. Allele origin: germline. Affected: yes. Observed: 3 variant alleles.

Institute of Human Genetics, University of Leipzig Medical Center
Classification: Likely pathogenic for Alpha thalassemia-X-linked intellectual disability syndrome. Last evaluated: 2018-10-02. Review status: criteria provided, single submitter. Criteria: ACMG Guidelines, 2015. Collection method: clinical testing. Allele origin: germline. Affected: yes. Observed: 1 variant allele.
Comment: This variant was identified as hemizygous